The following is an entry in ClinVar:

ClinVar aggregate classification (germline): Uncertain significance. Review status: criteria provided, multiple submitters, no conflicts (2 of 4 stars). 9 submissions from 9 submitters: Uncertain significance (9). Last evaluated 2025-12-16.

Conditions:
Myopathy, myosin storage, autosomal recessive (CMYO7B). Also called: CONGENITAL MYOPATHY 7B, MYOSIN STORAGE, AUTOSOMAL RECESSIVE. Identifiers: Orphanet 636970, MedGen C1850709, MONDO:0009708, OMIM 255160.
Dilated cardiomyopathy 1S (CMD1S). Identifiers: Orphanet 154, Orphanet 54260, MedGen C1834481, MONDO:0013262, OMIM 613426.
MYH7-related skeletal myopathy. Also called: Laing distal myopathy; Laing early-onset distal myopathy; Myopathy, distal, 1; MYOPATHY, DISTAL, EARLY-ONSET, AUTOSOMAL DOMINANT; MYOPATHY, LATE DISTAL HEREDITARY. Identifiers: Orphanet 59135, MedGen C4552004, MONDO:0008050, OMIM 160500.
Myosin storage myopathy (CMYO7A). Also called: MYH7-related late-onset scapuloperoneal muscular dystrophy; Congenital myopathy 7A, myosin storage, autosomal dominant; MYOPATHY, HYALINE BODY, AUTOSOMAL DOMINANT; Scapuloperoneal myopathy, MYH7-related; MYOPATHY WITH LYSIS OF TYPE I MYOFIBRILS; SCAPULOPERONEAL MUSCULAR DYSTROPHY. Identifiers: Orphanet 437572, Orphanet 636965, MedGen C1842160, MONDO:0008409, OMIM 608358.
Cardiovascular phenotype. Identifiers: MedGen CN230736.
Hypertrophic cardiomyopathy. Also called: HYPERTROPHIC MYOCARDIOPATHY. Identifiers: Orphanet 217569, MedGen C0007194, MeSH D002312, MONDO:0005045, HP:0001639.
Cardiomyopathy (CMYO). Also called: Cardiomyopathies. Identifiers: Orphanet 167848, MedGen C0878544, MONDO:0004994, HP:0001638. Inheritance: Various modes of inheritance.

Allele frequency attached by ClinVar (database versions not stated): ExAC 0.00001; gnomAD 0.00001; TOPMed 0.00002; gnomAD exomes 0.00003.
gnomAD v4.1: 17 of 1,613,902 alleles (0.0011%); highest among the groups gnomAD compares: Admixed American, 0.017%; no homozygotes.

Submissions (9):

Labcorp Genetics (formerly Invitae), Labcorp
Classification: Uncertain significance for Hypertrophic cardiomyopathy. Last evaluated: 2025-12-16. Review status: criteria provided, single submitter. Criteria: Invitae Variant Classification Sherloc (09022015). Collection method: clinical testing. Allele origin: germline.
Comment: This sequence change replaces arginine, which is basic and polar, with tryptophan, which is neutral and slightly polar, at codon 1260 of the MYH7 protein (p.Arg1260Trp). This variant is present in population databases (rs755386220, gnomAD 0.02%). This variant has not been reported in the literature in individuals affected with MYH7-related conditions. ClinVar contains an entry for this variant (Variation ID: 648727). Invitae Evidence Modeling of protein sequence and biophysical properties (such as structural, functional, and spatial information, amino acid conservation, physicochemical variation, residue mobility, and thermodynamic stability) has been performed for this missense variant. However, the output from this modeling did not meet the statistical confidence thresholds required to predict the impact of this variant on MYH7 protein function. In summary, the available evidence is currently insufficient to determine the role of this variant in disease. Therefore, it has been classified as a Variant of Uncertain Significance.

ARUP Laboratories, Molecular Genetics and Genomics, ARUP Laboratories
Classification: Uncertain significance. Last evaluated: 2025-06-05. Review status: criteria provided, single submitter. Criteria: ARUP Molecular Germline Variant Investigation Process 2024. Collection method: clinical testing. Allele origin: germline.
Comment: The MYH7 c.3778C>T; p.Arg1260Trp variant (rs755386220), to our knowledge, is not reported in the medical literature but is reported in ClinVar (Variation ID: 648727). This variant is found in the Admixed American population with an allele frequency of 0.02% (7/34,592 alleles) in the Genome Aggregation Database (v2.1.1). Computational analyses are uncertain whether this variant is neutral or deleterious (REVEL: 0.489). Due to limited information, the clinical significance of this variant is uncertain at this time.

Ambry Genetics
Classification: Uncertain significance for Cardiovascular phenotype. Last evaluated: 2025-03-19. Review status: criteria provided, single submitter. Criteria: Ambry Variant Classification Scheme 2023. Collection method: clinical testing. Allele origin: germline.
Comment: The p.R1260W variant (also known as c.3778C>T), located in coding exon 26 of the MYH7 gene, results from a C to T substitution at nucleotide position 3778. The arginine at codon 1260 is replaced by tryptophan, an amino acid with dissimilar properties. This amino acid position is well conserved in available vertebrate species. In addition, the in silico prediction for this alteration is inconclusive. Based on the available evidence, the clinical significance of this variant remains unclear.

All of Us Research Program, National Institutes of Health
Classification: Uncertain significance for Cardiomyopathy. Last evaluated: 2024-08-13. Review status: criteria provided, single submitter. Criteria: ACMG Guidelines, 2015. Collection method: clinical testing. Allele origin: germline. Inheritance: Autosomal dominant inheritance. Observed: 9 variant alleles, 9 heterozygotes.
Comment: This missense variant replaces arginine with tryptophan at codon 1260 of the MYH7 protein. Computational prediction suggests that this variant may not impact protein structure and function (internally defined REVEL score threshold <= 0.5, PMID: 27666373). To our knowledge, functional studies have not been reported for this variant. This variant has not been reported in individuals affected with MYH7-related disorders in the literature. This variant has been identified in 7/251440 chromosomes in the general population by the Genome Aggregation Database (gnomAD). The available evidence is insufficient to determine the role of this variant in disease conclusively. Therefore, this variant is classified as a Variant of Uncertain Significance.

This study involves interpretation of variants in research participants for the purpose of population health screening. Participant phenotype was not available at the time of variant classification. Additional details can be found in publication PMID: 35346344, PMCID: PMC8962531

Color Diagnostics, LLC DBA Color Health
Classification: Uncertain significance for Cardiomyopathy. Last evaluated: 2024-03-06. Review status: criteria provided, single submitter. Criteria: ACMG Guidelines, 2015. Collection method: clinical testing. Allele origin: germline.
Comment: This missense variant replaces arginine with tryptophan at codon 1260 of the MYH7 protein. Computational prediction suggests that this variant may not impact protein structure and function (internally defined REVEL score threshold <= 0.5, PMID: 27666373). To our knowledge, functional studies have not been reported for this variant. This variant has not been reported in individuals affected with MYH7-related disorders in the literature. This variant has been identified in 7/251440 chromosomes in the general population by the Genome Aggregation Database (gnomAD). The available evidence is insufficient to determine the role of this variant in disease conclusively. Therefore, this variant is classified as a Variant of Uncertain Significance.

Department of Pathology and Laboratory Medicine, Sinai Health System
Classification: Uncertain significance for Dilated cardiomyopathy 1S; MYH7-related skeletal myopathy; Myopathy, myosin storage, autosomal recessive; Myosin storage myopathy. Last evaluated: 2023-04-23. Review status: criteria provided, single submitter. Criteria: ACMG Guidelines, 2015. Collection method: research. Allele origin: germline.

Blueprint Genetics
Classification: Uncertain significance. Last evaluated: 2022-11-28. Review status: criteria provided, single submitter. Criteria: ACMG Guidelines, 2015. Collection method: clinical testing. Allele origin: germline.

Victorian Clinical Genetics Services, Murdoch Childrens Research Institute
Classification: Uncertain significance for Dilated cardiomyopathy 1S. Last evaluated: 2022-06-24. Review status: criteria provided, single submitter. Criteria: ACMG Guidelines, 2015. Collection method: clinical testing. Allele origin: germline. Inheritance: Autosomal dominant inheritance. Affected: yes.
Comment: Based on the classification scheme VCGS_Germline_v1.3.4, this variant is classified as VUS-3B. Following criteria are met: 0105 - The mechanism of disease for this gene is not clearly established; however, missense variants have been proposed to act in a dominant negative manner (PMID: 24714796). (I) 0108 - This gene is associated with both recessive and dominant disease. Pathogenic variants in this gene are usually heterozygous; however, a recessive inheritance pattern has been observed in severe cases (OMIM). (I) 0112 - The conditions associated with this gene have incomplete penetrance (PMID: 29300372). (I) 0200 - Variant is predicted to result in a missense amino acid change from arginine to tryptophan. (I) 0251 - This variant is heterozygous. (I) 0304 - Variant is present in gnomAD <0.01 (v2 & v3: 8 heterozygotes, 0 homozygotes). (SP) 0309 - An alternative amino acid change at the same position has been observed in gnomAD (v2 & v3: 11 heterozygotes, 0 homozygotes). (I) 0501 - Missense variant consistently predicted to be damaging by multiple in silico tools or highly conserved with a major amino acid change. (SP) 0600 - Variant is located in the annotated myosin tail 1 domain (DECIPHER). (I) 0710 - Other missense variants comparable to the one identified in this case have inconclusive previous evidence for pathogenicity. p.(Arg1260Gln) and p.(Arg1260Pro) have been reported as VUS by multiple clinical testing laboratories (ClinVar). (I) 0809 - Previous evidence of pathogenicity for this variant is inconclusive. This variant has been reported as a VUS by two clinical testing laboratories (ClinVar). (I) 0905 - No published segregation evidence has been identified for this variant. (I) 1007 - No published functional evidence has been identified for this variant. (I) 1208 - Inheritance information for this variant is not currently available in this individual. (I) Legend: (SP) - Supporting pathogenic, (I) - Information, (SB) - Supporting benign

Mayo Clinic Laboratories, Mayo Clinic
Classification: Uncertain significance. Last evaluated: 2021-10-11. Review status: criteria provided, single submitter. Criteria: ACMG Guidelines, 2015. Collection method: clinical testing. Allele origin: germline.

Literature cited by the submitters: PubMed 24714796 (cited by Victorian Clinical Genetics Services, Murdoch Childrens Research Institute); PubMed 29300372 (cited by Victorian Clinical Genetics Services, Murdoch Childrens Research Institute).

NM_000257.4(MYH7):c.3778C>T (p.Arg1260Trp)

Gene: MYH7 (myosin heavy chain 7; minus strand). Cytogenetic location: 14q11.2.
Variant type: single nucleotide variant.
Coding change: c.3778C>T on transcript NM_000257.4 (MANE Select); coding-DNA position 3778, C replaced by T.
Protein change: p.Arg1260Trp; replaces arginine 1260 with tryptophan.
Molecular consequence: missense variant.
Genome position (GRCh38, 1-based): chr14:23,419,558, G>A on the plus strand (C>T on the coding strand, the complement: MYH7 is on the minus strand). VCF-style: chr14-23419558-G-A. GRCh37 (hg19) VCF-style: chr14-23888767-G-A.
Other names: p.Arg1260Trp; c.3778C>T (NM_000257.2); short protein forms R1260W.
Identifiers: ClinVar variation 648727 (VCV000648727.24), dbSNP rs755386220, ClinGen allele CA038804.
Genomic context (GRCh38, chr14:23,419,558, plus strand): 5'-ACTTGGCCCGCTGGCTGGTGAGGTCGTTGACAGAACGCTGGGTCTCCTCCGCCTTGCTCC[G>A]GTGCTCATTCATCTGGTCTTCCAAGGTCCGGCACATCTTCTCCAGGTTAGCCTGAGAAGG-3'
Protein context (NP_000248.2, residues 1250-1270): RTLEDQMNEH[Arg1260Trp]SKAEETQRSV